The following is an entry in ClinVar:

NM_018230.3(NUP133):c.1986C>G (p.Asp662Glu)

Gene: NUP133 (nucleoporin 133; minus strand). Cytogenetic location: 1q42.13.
Variant type: single nucleotide variant.
Coding change: c.1986C>G on transcript NM_018230.3 (MANE Select); coding-DNA position 1986, C replaced by G.
Protein change: p.Asp662Glu; replaces aspartic acid 662 with glutamic acid.
Molecular consequence: missense variant.
Genome position (GRCh38, 1-based): chr1:229,470,670, G>C on the plus strand (C>G on the coding strand, the complement: NUP133 is on the minus strand). VCF-style: chr1-229470670-G-C. GRCh37 (hg19) VCF-style: chr1-229606417-G-C.
Other names: short protein forms D662E.
Identifiers: ClinVar variation 4808521 (VCV004808521.1).

ClinVar aggregate classification (germline): Uncertain significance (1 of 4 stars; one submission).

gnomAD v4.1: 1 of 1,614,180 alleles (0.000062%); highest among the groups gnomAD compares: South Asian, 0.0011%; no homozygotes.

Submission:

Labcorp Genetics (formerly Invitae), Labcorp
Classification: Uncertain significance. Last evaluated: 2025-07-27. Review status: criteria provided, single submitter. Criteria: Invitae Variant Classification Sherloc (09022015). Collection method: clinical testing. Allele origin: germline.
Comment: This sequence change replaces aspartic acid, which is acidic and polar, with glutamic acid, which is acidic and polar, at codon 662 of the NUP133 protein (p.Asp662Glu). This variant is not present in population databases (gnomAD no frequency). This variant has not been reported in the literature in individuals affected with NUP133-related conditions. An algorithm developed to predict the effect of missense changes on protein structure and function outputs the following: PolyPhen-2: "Benign". The glutamic acid amino acid residue is found in multiple mammalian species, which suggests that this missense change does not adversely affect protein function. In summary, the available evidence is currently insufficient to determine the role of this variant in disease. Therefore, it has been classified as a Variant of Uncertain Significance.